The following is an entry in ClinVar:

NM_000063.6(C2):c.849+75C>T

Gene: C2 (complement C2; plus strand). Cytogenetic location: 6p21.33.
Variant type: single nucleotide variant.
Coding change: c.849+75C>T on transcript NM_000063.6 (MANE Select); 75 bases into the intron after coding-DNA position 849, C replaced by T.
Molecular consequence: intron variant. On other transcripts: synonymous variant (1).
Genome position (GRCh38, 1-based): chr6:31,934,374, C>T. VCF-style: chr6-31934374-C-T. GRCh37 (hg19) VCF-style: chr6-31902151-C-T.
Other names: c.924C>T (NM_001282459.1); c.924C>T, p.Leu308= (NM_001282459.2); c.111+591C>T (NM_001282457.2); c.346+409C>T (NM_001178063.3); c.762+75C>T (NM_001282458.2); c.453+75C>T (NM_001145903.3).
Identifiers: ClinVar variation 2656432 (VCV002656432.26), dbSNP rs112228585, ClinGen allele CA3727540.
Genomic context (GRCh38, chr6:31,934,374, plus strand): 5'-GTCTGCCTGCAGCAGAGGCCTTCCTGTGCTCACTATCTCTCTCTGTCTCCTTCCCCTCCT[C>T]AGAACCCCACTCACAGCCCACCTCCTCCAAGAAGTCTTCTCAGATTATACTCATGCCATG-3'

ClinVar aggregate classification (germline): Likely benign. Review status: criteria provided, multiple submitters, no conflicts (2 of 4 stars). 3 submissions from 3 submitters: Likely benign (2). 1 of the submissions does not count toward it. Last evaluated 2024-11-22.

Conditions:
C2-related disorder. Also called: C2-related disorders; C2-related condition.

Allele frequency attached by ClinVar (database versions not stated): 1000 Genomes Project 30x 0.00016; 1000 Genomes Project 0.00020; gnomAD 0.00045; TOPMed 0.00049; gnomAD exomes 0.00053; ExAC 0.00059.
gnomAD v4.1: 852 of 1,592,906 alleles (0.053%); highest among the groups gnomAD compares: Middle Eastern, 1.1%; 7 homozygotes.

Submissions (3):

Blueprint Genetics
Classification: Likely benign. Last evaluated: 2024-11-22. Review status: criteria provided, single submitter. Criteria: ACMG Guidelines, 2015. Collection method: clinical testing. Allele origin: germline.

CeGaT Center for Human Genetics Tuebingen
Classification: Likely benign. Last evaluated: 2024-11-01. Review status: criteria provided, single submitter. Criteria: CeGaT Center For Human Genetics Tuebingen Variant Classification Criteria Version 2. Collection method: clinical testing. Allele origin: germline. Affected: yes. Observed: 4 variant alleles.
Comment: C2: BP4, BP7

PreventionGenetics, part of Exact Sciences
Classification: Likely benign for C2-related condition. Last evaluated: 2022-12-15. Review status: no assertion criteria provided. Collection method: clinical testing. Allele origin: germline. Not counted in ClinVar's aggregate classification.
Comment: This variant is classified as likely benign based on ACMG/AMP sequence variant interpretation guidelines (Richards et al. 2015 PMID: 25741868, with internal and published modifications).